The following is an entry in ClinVar:

NM_003394.4(WNT10B):c.741del (p.Lys246_Cys247insTer)

Gene: WNT10B (Wnt family member 10B; minus strand). Cytogenetic location: 12q13.12.
Variant type: Deletion.
Coding change: c.741del on transcript NM_003394.4 (MANE Select); coding-DNA position 741, one base deleted (C; older notation c.741delC).
Protein change: p.Lys246_Cys247insTer.
Molecular consequence: nonsense.
Genome position (GRCh38, 1-based): chr12:48,966,524, G deleted on the plus strand (C on the coding strand, the reverse complement: WNT10B is on the minus strand). VCF-style (leftmost placement, unchanged base first): chr12-48966523-TG-T. GRCh37 (hg19) VCF-style: chr12-49360306-TG-T.
Identifiers: ClinVar variation 1695395 (VCV001695395.2), dbSNP rs2137611223, ClinGen allele CA2523376530.

ClinVar aggregate classification (germline): Pathogenic. Review status: criteria provided, multiple submitters, no conflicts (2 of 4 stars). 2 submissions from 2 submitters: Pathogenic (2). Last evaluated 2025-07-30.

Conditions:
Split hand-foot malformation 6. Also called: ECTRODACTYLY, AUTOSOMAL RECESSIVE. Identifiers: Orphanet 2440, MedGen C2749665, MONDO:0009157, OMIM 225300.

Allele frequency attached by ClinVar (database versions not stated): gnomAD exomes below 0.00001.

Submissions (2):

Labcorp Genetics (formerly Invitae), Labcorp
Classification: Pathogenic. Last evaluated: 2025-07-30. Review status: criteria provided, single submitter. Criteria: Invitae Variant Classification Sherloc (09022015). Collection method: clinical testing. Allele origin: germline.
Comment: This sequence change creates a premature translational stop signal (p.Cys247*) in the WNT10B gene. While this is not anticipated to result in nonsense mediated decay, it is expected to disrupt the last 143 amino acid(s) of the WNT10B protein. This variant is not present in population databases (gnomAD no frequency). This premature translational stop signal has been observed in individual(s) with split-hand/foot malformation (PMID: 36035248). ClinVar contains an entry for this variant (Variation ID: 1695395). This variant disrupts a region of the WNT10B protein in which other variant(s) (p.Arg332Trp) have been determined to be pathogenic (PMID: 18515319). This suggests that this is a clinically significant region of the protein, and that variants that disrupt it are likely to be disease-causing. For these reasons, this variant has been classified as Pathogenic.

Lupski Lab, Baylor-Hopkins CMG, Baylor College of Medicine
Classification: Pathogenic for Split hand-foot malformation 6. Last evaluated: 2022-06-07. Review status: criteria provided, single submitter. Criteria: ACMG Guidelines, 2015. Collection method: research. Allele origin: inherited. Affected: yes. Observed: 5 variant alleles. Clinical features observed: Split foot (HP:0001839), Syndactyly (HP:0001159).

Literature cited by the submitters: PubMed 36035248 (cited by Labcorp Genetics (formerly Invitae), Labcorp); PubMed 18515319 (cited by Labcorp Genetics (formerly Invitae), Labcorp).